The following is an entry in ClinVar:

NM_058216.3(RAD51C):c.772C>T (p.Arg258Cys)

Gene: RAD51C (RAD51 paralog C; plus strand). Cytogenetic location: 17q22.
Variant type: single nucleotide variant.
Coding change: c.772C>T on transcript NM_058216.3 (MANE Select); coding-DNA position 772, C replaced by T.
Protein change: p.Arg258Cys; replaces arginine 258 with cysteine.
Molecular consequence: missense variant. On other transcripts: non-coding transcript variant (1).
Genome position (GRCh38, 1-based): chr17:58,709,925, C>T. VCF-style: chr17-58709925-C-T. GRCh37 (hg19) VCF-style: chr17-56787286-C-T.
Other names: short protein forms R258C.
Identifiers: ClinVar variation 142453 (VCV000142453.36), dbSNP rs587782474, ClinGen allele CA168396.

ClinVar aggregate classification (germline): Uncertain significance. Review status: criteria provided, multiple submitters, no conflicts (2 of 4 stars). 13 submissions from 13 submitters: Uncertain significance (11). 2 of the submissions do not count toward it. Last evaluated 2025-09-24.

Conditions:
Breast-ovarian cancer, familial, susceptibility to, 3. Also called: RAD51C-Related Breast/Ovarian Cancer. Identifiers: Orphanet 145, MedGen C3150659, MONDO:0013253, OMIM 613399.
Fanconi anemia complementation group O. Also called: RAD51C-Related Fanconi Anemia. Identifiers: Orphanet 84, MedGen C3150653, MONDO:0013248, OMIM 613390.
Hereditary cancer-predisposing syndrome. Also called: Neoplastic Syndromes, Hereditary; Hereditary Cancer Syndrome; Hereditary neoplastic syndrome; Tumor predisposition. Identifiers: Orphanet 140162, MedGen C0027672, MeSH D009386, MONDO:0015356.
Malignant tumor of breast. Also called: Malignant breast neoplasm; Cancer breast. Identifiers: MedGen C0006142, MONDO:0007254. Disease mechanism: loss of function.

Allele frequency attached by ClinVar (database versions not stated): gnomAD 0.00001; TOPMed 0.00001; gnomAD exomes 0.00002 and 0.00003; ExAC 0.00003.
gnomAD v4.1: 25 of 1,611,814 alleles (0.0016%); highest among the groups gnomAD compares: Non-Finnish European, 0.002%; no homozygotes.

Submissions (13):

Labcorp Genetics (formerly Invitae), Labcorp
Classification: Uncertain significance for Fanconi anemia complementation group O. Last evaluated: 2025-09-24. Review status: criteria provided, single submitter. Criteria: Invitae Variant Classification Sherloc (09022015). Collection method: clinical testing. Allele origin: germline.
Comment: This sequence change replaces arginine, which is basic and polar, with cysteine, which is neutral and slightly polar, at codon 258 of the RAD51C protein (p.Arg258Cys). This variant is present in population databases (rs587782474, gnomAD 0.006%). This missense change has been observed in individual(s) with lung squamous cell carcinoma (PMID: 26689913). ClinVar contains an entry for this variant (Variation ID: 142453). Invitae Evidence Modeling of protein sequence and biophysical properties (such as structural, functional, and spatial information, amino acid conservation, physicochemical variation, residue mobility, and thermodynamic stability) indicates that this missense variant is expected to disrupt RAD51C protein function with a positive predictive value of 80%. Experimental studies have shown that this missense change affects RAD51C function (PMID: 39299233). This variant disrupts the p.Arg258 amino acid residue in RAD51C. Other variant(s) that disrupt this residue have been determined to be pathogenic (PMID: 20400963, 25154786, 26740214). This suggests that this residue is clinically significant, and that variants that disrupt this residue are likely to be disease-causing. In summary, the available evidence is currently insufficient to determine the role of this variant in disease. Therefore, it has been classified as a Variant of Uncertain Significance.

Ambry Genetics
Classification: Uncertain significance for Hereditary cancer-predisposing syndrome. Last evaluated: 2025-05-07. Review status: criteria provided, single submitter. Criteria: Ambry Variant Classification Scheme 2023. Collection method: clinical testing. Allele origin: germline.
Comment: The p.R258C variant (also known as c.772C>T), located in coding exon 5 of the RAD51C gene, results from a C to T substitution at nucleotide position 772. The arginine at codon 258 is replaced by cysteine, an amino acid with highly dissimilar properties. This variant was detected in 1/5589 German BRCA1/2-negative probands diagnosed with breast cancer (Hauke J et al. Cancer Med, 2018 Apr;7:1349-1358). This variant was also observed in 1/3251 individuals who met eligibility criteria for hereditary breast and ovarian cancer syndrome (Lerner-Ellis J et al. J Cancer Res Clin Oncol, 2021 Mar;147:871-879). In a homology-directed DNA repair (HDR) assay, this alteration showed a functionally normal (Hu C et al. Cancer Res, 2023 Aug;83:2557-2571). This amino acid position is highly conserved in available vertebrate species. In addition, the in silico prediction for this alteration is inconclusive. Based on the available evidence, the clinical significance of this variant remains unclear.

Center for Genomic Medicine, Rigshospitalet, Copenhagen University Hospital
Classification: Uncertain significance. Last evaluated: 2025-03-04. Review status: criteria provided, single submitter. Criteria: ACMG Guidelines, 2015. Collection method: clinical testing. Allele origin: germline.

Department of Clinical Genetics, Copenhagen University Hospital, Rigshospitalet
Classification: Uncertain significance for Hereditary cancer-predisposing syndrome. Last evaluated: 2025-02-04. Review status: criteria provided, single submitter. Criteria: ACMG Guidelines, 2015. Collection method: clinical testing. Allele origin: germline.
Comment: The following ACMG criteria have been used in classification: PS3_MOD; PM5

GeneDx
Classification: Uncertain significance. Last evaluated: 2024-06-25. Review status: criteria provided, single submitter. Criteria: GeneDx Variant Classification Process June 2021. Collection method: clinical testing. Allele origin: germline. Affected: yes.
Comment: In silico analysis supports that this missense variant has a deleterious effect on protein structure/function; Observed in individuals with breast cancer (PMID: 29522266, 32885271); This variant is associated with the following publications: (PMID: 27149507, 26740214, 29522266, 25154786, 20400963, 26689913, 32885271, 14704354, 25292178)

Fulgent Genetics
Classification: Uncertain significance for Fanconi anemia complementation group O; Breast-ovarian cancer, familial, susceptibility to, 3. Last evaluated: 2024-06-18. Review status: criteria provided, single submitter. Criteria: ACMG Guidelines, 2015. Collection method: clinical testing. Allele origin: germline.

Baylor Genetics
Classification: Uncertain significance for Breast-ovarian cancer, familial, susceptibility to, 3. Last evaluated: 2024-03-15. Review status: criteria provided, single submitter. Criteria: ACMG Guidelines, 2015. Collection method: clinical testing. Allele origin: unknown.

Myriad Genetics, Inc.
Classification: Uncertain significance for Breast-ovarian cancer, familial, susceptibility to, 3. Last evaluated: 2023-04-05. Review status: criteria provided, single submitter. Criteria: Myriad Autosomal Dominant, Autosomal Recessive and X-Linked Classification Criteria (2023). Collection method: clinical testing. Allele origin: unknown.
Comment: This variant is classified as a variant of uncertain significance as there is insufficient evidence to determine its impact on protein function and/or cancer risk.

Color Diagnostics, LLC DBA Color Health
Classification: Uncertain significance for Hereditary cancer-predisposing syndrome. Last evaluated: 2021-07-29. Review status: criteria provided, single submitter. Criteria: ACMG Guidelines, 2015. Collection method: clinical testing. Allele origin: germline.
Comment: This missense variant replaces arginine with cysteine at codon 258 of the RAD51C protein. Computational prediction is inconclusive regarding the impact of this variant on protein structure and function (internally defined REVEL score threshold 0.5 < inconclusive < 0.7, PMID: 27666373). To our knowledge, functional studies have not been reported for this variant. However, a different variant (p.Arg258His) affecting the same codon is considered to be disease-causing (ClinVar variation ID: 6822), suggesting that arginine at this position is important for the protein function. This variant has been reported in an individual affected with lung squamous cell carcinoma (PMID: 26689913). This variant has been identified in 7/251434 chromosomes in the general population by the Genome Aggregation Database (gnomAD). The available evidence is insufficient to determine the role of this variant in disease conclusively. Therefore, this variant is classified as a Variant of Uncertain Significance.

Quest Diagnostics Nichols Institute San Juan Capistrano
Classification: Uncertain significance. Last evaluated: 2016-12-06. Review status: criteria provided, single submitter. Criteria: Quest Diagnostics criteria. Collection method: clinical testing. Allele origin: germline.

PreventionGenetics, part of Exact Sciences
Classification: Uncertain significance. Last evaluated: 2016-05-25. Review status: criteria provided, single submitter. Criteria: ACMG Guidelines, 2015. Collection method: clinical testing. Allele origin: germline.

Counsyl
Classification: Uncertain significance for Fanconi anemia complementation group O; Breast-ovarian cancer, familial, susceptibility to, 3. Last evaluated: 2017-11-20. Review status: no assertion criteria provided. Collection method: clinical testing. Allele origin: unknown. Not counted in ClinVar's aggregate classification.

Department of Pathology and Laboratory Medicine, Sinai Health System
Classification: Uncertain significance for Malignant tumor of breast. Review status: no assertion criteria provided. Collection method: clinical testing. Allele origin: unknown. Affected: yes. Study: The Canadian Open Genetics Repository (COGR). Not counted in ClinVar's aggregate classification.
Comment: The RAD51C p.Arg258Cys variant was identified in 1 of 2456 proband chromosomes (frequency: 0.0004) from Danish individuals or families with breast or ovarian cancer (Jonson 2015). A different missense variant at the same residue (p.Arg258His) was identified in the homozygous state in a consanguineous Pakistani family with multiple severe congenital abnormalities characteristic of Fanconi anemia (Vaz 2010). The variant was identified in dbSNP (ID: rs587782474) â€šÃ„ÃºWith Uncertain significance alleleâ€šÃ„Ã¹, ClinVar (classified as uncertain significance by Ambry Genetics, Invitae, GeneDx, Color, Counsyl, Prevention Genetics and Quest Diagnostics Nichols Institute San Juan Capistrano). The variant was not identified in LOVD 3.0. The variant was identified in control databases in 7 of 246218 chromosomes at a frequency of 0.00003 (Genome Aggregation Database Feb 27, 2017). The variant was observed in the European Non-Finnish population in 7 of 111674 chromosomes (freq: 0.00006); it was not observed in the African, Other, Latino, Ashkenazi Jewish, East Asian, European Finnish, or South Asian populations. The p.Arg258 residue is conserved across mammals and other organisms, and computational analyses (PolyPhen-2, SIFT, AlignGVGD, BLOSUM, MutationTaster) suggest that the Cys variant may impact the protein; however, this information is not predictive enough to assume pathogenicity. The variant occurs outside of the splicing consensus sequence and in silico or computational prediction software programs (SpliceSiteFinder, MaxEntScan, NNSPLICE, GeneSplicer) do not predict a difference in splicing. In summary, based on the above information, the clinical significance of this variant cannot be determined with certainty at this time. This variant is classified as a variant of uncertain significance.

Literature cited by the submitters: PubMed 26689913 (cited by 3 submitters); PubMed 39299233 (cited by Labcorp Genetics (formerly Invitae), Labcorp and Department of Clinical Genetics, Copenhagen University Hospital, Rigshospitalet); PubMed 20400963 (cited by Labcorp Genetics (formerly Invitae), Labcorp); PubMed 25154786 (cited by Labcorp Genetics (formerly Invitae), Labcorp); PubMed 26740214 (cited by Labcorp Genetics (formerly Invitae), Labcorp); PubMed 29522266 (cited by Ambry Genetics); PubMed 32885271 (cited by Ambry Genetics); PubMed 37253112 (cited by Ambry Genetics); PubMed 27149507 (cited by Quest Diagnostics Nichols Institute San Juan Capistrano).